The following is an entry in ClinVar:

ClinVar aggregate classification (germline): Pathogenic (1 of 4 stars; one submission).

Submission:

GeneDx
Classification: Pathogenic. Last evaluated: 2022-08-23. Review status: criteria provided, single submitter. Criteria: GeneDx Variant Classification Process June 2021. Collection method: clinical testing. Allele origin: germline. Affected: yes.
Comment: Nonsense variant predicted to result in protein truncation or nonsense mediated decay in a gene for which loss of function is a known mechanism of disease; Not observed at significant frequency in large population cohorts (gnomAD); Has not been previously published as pathogenic or benign to our knowledge

NM_004100.5(EYA4):c.409C>T (p.Gln137Ter)

Gene: EYA4 (EYA transcriptional coactivator and phosphatase 4; plus strand). Cytogenetic location: 6q23.2.
Variant type: single nucleotide variant.
Coding change: c.409C>T on transcript NM_004100.5 (MANE Select); coding-DNA position 409, C replaced by T.
Protein change: p.Gln137Ter; replaces glutamine 137 with a stop codon.
Molecular consequence: nonsense.
Genome position (GRCh38, 1-based): chr6:133,461,152, C>T. VCF-style: chr6-133461152-C-T. GRCh37 (hg19) VCF-style: chr6-133782290-C-T.
Other names: c.247C>T, p.Gln83Ter (NM_001301012.2, NM_001370459.1); c.409C>T, p.Gln137Ter (NM_001301013.2, NM_172105.4); c.340C>T, p.Gln114Ter (NM_001370458.1, NM_172103.4); short protein forms Q137*, Q114*, Q83*.
Identifiers: ClinVar variation 620234 (VCV000620234.3), dbSNP rs1562447782, ClinGen allele CA365696072.